The following is an entry in ClinVar:

NM_005529.7(HSPG2):c.11629G>A (p.Gly3877Arg)

Gene: HSPG2 (heparan sulfate proteoglycan 2; minus strand). Cytogenetic location: 1p36.12.
Variant type: single nucleotide variant.
Coding change: c.11629G>A on transcript NM_005529.7 (MANE Select); coding-DNA position 11629, G replaced by A.
Protein change: p.Gly3877Arg; replaces glycine 3877 with arginine.
Molecular consequence: missense variant.
Genome position (GRCh38, 1-based): chr1:21,831,024, C>T on the plus strand (G>A on the coding strand, the complement: HSPG2 is on the minus strand). VCF-style: chr1-21831024-C-T. GRCh37 (hg19) VCF-style: chr1-22157517-C-T.
Other names: c.11632G>A, p.Gly3878Arg (NM_001291860.2); short protein forms G3877R, G3878R.
Identifiers: ClinVar variation 1407432 (VCV001407432.8), dbSNP rs769113513, ClinGen allele CA669704.

ClinVar aggregate classification (germline): Uncertain significance. Review status: criteria provided, multiple submitters, no conflicts (2 of 4 stars). 3 submissions from 3 submitters: Uncertain significance (3). Last evaluated 2022-11-07.

Allele frequency attached by ClinVar (database versions not stated): gnomAD 0.00001; ExAC 0.00002; TOPMed 0.00004; gnomAD exomes 0.00006.
gnomAD v4.1: 52 of 1,590,848 alleles (0.0033%); highest among the groups gnomAD compares: Admixed American, 0.02%; no homozygotes.

Submissions (3):

Blueprint Genetics
Classification: Uncertain significance. Last evaluated: 2022-11-07. Review status: criteria provided, single submitter. Criteria: ACMG Guidelines, 2015. Collection method: clinical testing. Allele origin: germline.

Labcorp Genetics (formerly Invitae), Labcorp
Classification: Uncertain significance. Last evaluated: 2021-09-01. Review status: criteria provided, single submitter. Criteria: Invitae Variant Classification Sherloc (09022015). Collection method: clinical testing. Allele origin: germline.
Comment: This sequence change replaces glycine with arginine at codon 3877 of the HSPG2 protein (p.Gly3877Arg). The glycine residue is moderately conserved and there is a moderate physicochemical difference between glycine and arginine. This variant is present in population databases (rs769113513, ExAC 0.005%). This variant has not been reported in the literature in individuals affected with HSPG2-related conditions. Algorithms developed to predict the effect of missense changes on protein structure and function are either unavailable or do not agree on the potential impact of this missense change (SIFT: "Deleterious"; PolyPhen-2: "Probably Damaging"; Align-GVGD: "Class C0"). Algorithms developed to predict the effect of sequence changes on RNA splicing suggest that this variant may create or strengthen a splice site. In summary, the available evidence is currently insufficient to determine the role of this variant in disease. Therefore, it has been classified as a Variant of Uncertain Significance.

Revvity Omics, Revvity
Classification: Uncertain significance. Last evaluated: 2019-06-25. Review status: criteria provided, single submitter. Criteria: ACMG Guidelines, 2015. Collection method: clinical testing. Allele origin: germline.